The following is an entry in ClinVar:

ClinVar aggregate classification (germline): Uncertain significance (1 of 4 stars; one submission).

Submission:

Ambry Genetics
Classification: Uncertain significance. Last evaluated: 2023-02-15. Review status: criteria provided, single submitter. Criteria: Ambry Variant Classification Scheme 2023. Collection method: clinical testing. Allele origin: germline.
Comment: The p.V393I variant (also known as c.1177G>A), located in coding exon 10 of the BUB1 gene, results from a G to A substitution at nucleotide position 1177. The valine at codon 393 is replaced by isoleucine, an amino acid with highly similar properties. This amino acid position is conserved. In addition, this alteration is predicted to be tolerated by in silico analysis. Since supporting evidence is limited at this time, the clinical significance of this alteration remains unclear.

NM_004336.5(BUB1):c.1177G>A (p.Val393Ile)

Gene: BUB1 (BUB1 mitotic checkpoint serine/threonine kinase; minus strand). Cytogenetic location: 2q13.
Variant type: single nucleotide variant.
Coding change: c.1177G>A on transcript NM_004336.5 (MANE Select); coding-DNA position 1177, G replaced by A.
Protein change: p.Val393Ile; replaces valine 393 with isoleucine.
Molecular consequence: missense variant.
Genome position (GRCh38, 1-based): chr2:110,661,622, C>T on the plus strand (G>A on the coding strand, the complement: BUB1 is on the minus strand). VCF-style: chr2-110661622-C-T. GRCh37 (hg19) VCF-style: chr2-111419199-C-T.
Other names: c.1117G>A, p.Val373Ile (NM_001278616.2); c.1177G>A, p.Val393Ile (NM_001278617.2); short protein forms V393I, V373I.
Identifiers: ClinVar variation 2465076 (VCV002465076.2), dbSNP rs2468017231, ClinGen allele CA348214256.
Genomic context (GRCh38, chr2:110,661,622, plus strand): 5'-TAGGACTACCTTCAGCTTACCCAGCATCTTTGCTGGCCACTGCAAACATGGAGTCTGTTA[C>T]TGTCTGGGCTTTCAAAGGAACAGGAGGAGCAATGCTCTGGCTGGTGGCTGGGGACACCAA-3'
Protein context (NP_004327.1, residues 383-403): APPVPLKAQT[Val393Ile]TDSMFAVASK